The following is an entry in ClinVar:

ClinVar aggregate classification (germline): Uncertain significance. Review status: criteria provided, multiple submitters, no conflicts (2 of 4 stars). 3 submissions from 3 submitters: Uncertain significance (3). Last evaluated 2025-12-04.

Conditions:
Inborn genetic diseases. Identifiers: MedGen C0950123, MeSH D030342.
Long chain 3-hydroxyacyl-CoA dehydrogenase deficiency. Also called: LCHAD Deficiency; Deficiency of long-chain 3-hydroxyacyl-coenzyme A dehydrogenase. Identifiers: Orphanet 5, MedGen C3711645, MONDO:0012173, OMIM 609016.
Mitochondrial trifunctional protein deficiency. Identifiers: Orphanet 746, MedGen C1969443, MONDO:0012172.

gnomAD v4.1: 6 of 1,613,900 alleles (0.00037%); highest among the groups gnomAD compares: South Asian, 0.0011%; no homozygotes.

Submissions (3):

Mayo Clinic Laboratories, Mayo Clinic
Classification: Uncertain significance. Last evaluated: 2025-12-04. Review status: criteria provided, single submitter. Criteria: ACMG Guidelines, 2015. Collection method: clinical testing. Allele origin: germline. Observed: 1 variant allele.
Comment: PP3

Labcorp Genetics (formerly Invitae), Labcorp
Classification: Uncertain significance for Mitochondrial trifunctional protein deficiency; Long chain 3-hydroxyacyl-CoA dehydrogenase deficiency. Last evaluated: 2025-10-27. Review status: criteria provided, single submitter. Criteria: Invitae Variant Classification Sherloc (09022015). Collection method: clinical testing. Allele origin: germline.
Comment: This sequence change replaces proline, which is neutral and non-polar, with leucine, which is neutral and non-polar, at codon 568 of the HADHA protein (p.Pro568Leu). This variant is not present in population databases (gnomAD no frequency). This variant has not been reported in the literature in individuals affected with HADHA-related conditions. ClinVar contains an entry for this variant (Variation ID: 3760856). Invitae Evidence Modeling of protein sequence and biophysical properties (such as structural, functional, and spatial information, amino acid conservation, physicochemical variation, residue mobility, and thermodynamic stability) indicates that this missense variant is not expected to disrupt HADHA protein function with a negative predictive value of 80%. In summary, the available evidence is currently insufficient to determine the role of this variant in disease. Therefore, it has been classified as a Variant of Uncertain Significance.

Ambry Genetics
Classification: Uncertain significance for Inborn genetic diseases. Last evaluated: 2025-01-18. Review status: criteria provided, single submitter. Criteria: Ambry Variant Classification Scheme 2023. Collection method: clinical testing. Allele origin: germline.

NM_000182.5(HADHA):c.1703C>T (p.Pro568Leu)

Genes: GAREM2 (GRB2 associated regulator of MAPK1 subtype 2; plus strand), HADHA (hydroxyacyl-CoA dehydrogenase trifunctional multienzyme complex subunit alpha; minus strand). Cytogenetic location: 2p23.3.
Variant type: single nucleotide variant.
Coding change: c.1703C>T on transcript NM_000182.5 (MANE Select); coding-DNA position 1703, C replaced by T.
Protein change: p.Pro568Leu; replaces proline 568 with leucine.
Molecular consequence: missense variant.
Genome position (GRCh38, 1-based): chr2:26,193,759, G>A on the plus strand (C>T on the coding strand, the complement: HADHA is on the minus strand). VCF-style: chr2-26193759-G-A. GRCh37 (hg19) VCF-style: chr2-26416628-G-A.
Other names: p.Pro568Leu; c.1703C>T (NM_000182.4); short protein forms P568L.
Identifiers: ClinVar variation 3760856 (VCV003760856.4).